The following is an entry in ClinVar:

NM_000529.2(MC2R):c.307G>A (p.Asp103Asn)

Gene: MC2R (melanocortin 2 receptor; minus strand). Cytogenetic location: 18p11.21.
Variant type: single nucleotide variant.
Coding change: c.307G>A on transcript NM_000529.2 (MANE Select); coding-DNA position 307, G replaced by A.
Protein change: p.Asp103Asn; replaces aspartic acid 103 with asparagine.
Molecular consequence: missense variant.
Genome position (GRCh38, 1-based): chr18:13,885,212, C>T on the plus strand (G>A on the coding strand, the complement: MC2R is on the minus strand). VCF-style: chr18-13885212-C-T. GRCh37 (hg19) VCF-style: chr18-13885211-C-T.
Other names: c.307G>A, p.Asp103Asn (NM_001291911.1); short protein forms D103N.
Identifiers: ClinVar variation 2442403 (VCV002442403.1), dbSNP rs768093045, ClinGen allele CA8902512.

ClinVar aggregate classification (germline): Likely pathogenic (1 of 4 stars; one submission).

Allele frequency attached by ClinVar (database versions not stated): ExAC 0.00001; gnomAD exomes 0.00002.
gnomAD v4.1: 34 of 1,613,990 alleles (0.0021%); highest among the groups gnomAD compares: Admixed American, 0.018%; no homozygotes.

Submission:

GeneDx
Classification: Likely pathogenic. Last evaluated: 2022-09-01. Review status: criteria provided, single submitter. Criteria: GeneDx Variant Classification Process June 2021. Collection method: clinical testing. Allele origin: germline. Affected: yes.
Comment: Reported with a second MC2R variant, phase unknown, in unrelated patients with adrenal insufficiency in the published literature (Elias et al., 1999; Amano et al., 2017); Published functional studies demonstrate impaired ACTH binding and reduced sensitivity for cAMP generation (Elias et al., 1999; Chung et al., 2008); In silico analysis supports that this missense variant has a deleterious effect on protein structure/function; This variant is associated with the following publications: (PMID: 9861547, 18840636, 11012566, 10443676, 26523528, 28546232, 32952553, 19795005)